The following is an entry in ClinVar:

NM_015338.6(ASXL1):c.2287C>A (p.Pro763Thr)

Gene: ASXL1 (ASXL transcriptional regulator 1; plus strand). Cytogenetic location: 20q11.21.
Variant type: single nucleotide variant.
Coding change: c.2287C>A on transcript NM_015338.6 (MANE Select); coding-DNA position 2287, C replaced by A.
Protein change: p.Pro763Thr; replaces proline 763 with threonine.
Molecular consequence: missense variant.
Genome position (GRCh38, 1-based): chr20:32,434,999, C>A. VCF-style: chr20-32434999-C-A. GRCh37 (hg19) VCF-style: chr20-31022802-C-A.
Other names: c.2104C>A, p.Pro702Thr (NM_001363734.1); short protein forms P702T, P763T.
Identifiers: ClinVar variation 4825240 (VCV004825240.1).
Genomic context (GRCh38, chr20:32,434,999, plus strand): 5'-CTAGGAGATGCCTCCCAACTCCCCGTTGCTCCCACTGGGGACCAGCCATGCCAGGCCTTG[C>A]CCCTACTGTCCTCCCAAACCTCAGTAGCTGAGAGATTAGTGGAGCAGCCTCAGTTGCATC-3'
Protein context (NP_056153.2, residues 753-773): PTGDQPCQAL[Pro763Thr]LLSSQTSVAE

ClinVar aggregate classification (germline): Uncertain significance (1 of 4 stars; one submission).

Conditions:
Inborn genetic diseases. Identifiers: MedGen C0950123, MeSH D030342.

Submission:

Ambry Genetics
Classification: Uncertain significance for Inborn genetic diseases. Last evaluated: 2026-02-17. Review status: criteria provided, single submitter. Criteria: Ambry Variant Classification Scheme 2023. Collection method: clinical testing. Allele origin: germline.
Comment: The p.P763T variant (also known as c.2287C>A), located in coding exon 13 of the ASXL1 gene, results from a C to A substitution at nucleotide position 2287. The proline at codon 763 is replaced by threonine, an amino acid with highly similar properties. This amino acid position is conserved. In addition, this alteration is predicted to be tolerated by in silico analysis. Based on the available evidence, the clinical significance of this variant remains unclear.